The following is an entry in ClinVar:

ClinVar aggregate classification (germline): Likely pathogenic. Review status: criteria provided, multiple submitters, no conflicts (2 of 4 stars). 2 submissions from 2 submitters: Likely pathogenic (2). Last evaluated 2025-07-14.

Conditions:
Dilated cardiomyopathy 1G (CMD1G). Identifiers: Orphanet 154, MedGen C1858763, MONDO:0011400, OMIM 604145.
Autosomal recessive limb-girdle muscular dystrophy type 2J (LGMDR10). Also called: Limb-girdle muscular dystrophy, type 2J; MUSCULAR DYSTROPHY, LIMB-GIRDLE, AUTOSOMAL RECESSIVE 10. Identifiers: Orphanet 140922, MedGen C1837342, MONDO:0012127, OMIM 608807.

Submissions (2):

GeneDx
Classification: Likely pathogenic. Last evaluated: 2025-07-14. Review status: criteria provided, single submitter. Criteria: GeneDx Variant Classification Process June 2021. Collection method: clinical testing. Allele origin: germline. Affected: yes.
Comment: Nonsense variant predicted to result in protein truncation or nonsense mediated decay in a gene for which loss of function is a known mechanism of disease; Located in the A-band, a region of TTN for which truncating variants are significantly associated with autosomal dominant cardiomyopathy and also with autosomal recessive skeletal myopathies (PMID: 22335739, 32778822); Not observed at significant frequency in large population cohorts (gnomAD); This variant is associated with the following publications: (PMID: 31112426, 22335739, 32778822, 30847666)

Labcorp Genetics (formerly Invitae), Labcorp
Classification: Likely pathogenic for Dilated cardiomyopathy 1G; Autosomal recessive limb-girdle muscular dystrophy type 2J. Last evaluated: 2024-05-22. Review status: criteria provided, single submitter. Criteria: Invitae Variant Classification Sherloc (09022015). Collection method: clinical testing. Allele origin: germline.
Comment: This sequence change creates a premature translational stop signal (p.Tyr29886*) in the TTN gene. While this is not anticipated to result in nonsense mediated decay, it is expected to create a truncated TTN protein. This variant is not present in population databases (gnomAD no frequency). This premature translational stop signal has been observed in individual(s) with dilated cardiomyopathy (PMID: 30847666, 31112426). This variant is also known as c.81954C>A (p.Tyr27318*). ClinVar contains an entry for this variant (Variation ID: 855726). This variant is located in the A band of TTN (PMID: 25589632). Truncating variants in this region are significantly overrepresented in patients affected with dilated cardiomyopathy (PMID: 25589632). Truncating variants in this region have also been reported in individuals affected with autosomal recessive centronuclear myopathy (PMID: 23975875). In summary, the currently available evidence indicates that the variant is pathogenic, but additional data are needed to prove that conclusively. Therefore, this variant has been classified as Likely Pathogenic.

Literature cited by the submitters: PubMed 30847666 (cited by Labcorp Genetics (formerly Invitae), Labcorp); PubMed 31112426 (cited by Labcorp Genetics (formerly Invitae), Labcorp); PubMed 25589632 (cited by Labcorp Genetics (formerly Invitae), Labcorp); PubMed 23975875 (cited by Labcorp Genetics (formerly Invitae), Labcorp).

NM_001267550.2(TTN):c.89658C>A (p.Tyr29886Ter)

Genes: TTN (titin; minus strand), TTN-AS1 (TTN antisense RNA 1; plus strand). Cytogenetic location: 2q31.2.
Variant type: single nucleotide variant.
Coding change: c.89658C>A on transcript NM_001267550.2 (MANE Select); coding-DNA position 89658, C replaced by A.
Protein change: p.Tyr29886Ter; replaces tyrosine 29886 with a stop codon.
Molecular consequence: nonsense.
Genome position (GRCh38, 1-based): chr2:178,553,242, G>T on the plus strand (C>A on the coding strand, the complement: TTN is on the minus strand). VCF-style: chr2-178553242-G-T. GRCh37 (hg19) VCF-style: chr2-179417969-G-T.
Other names: c.89658C>A (NM_001267550.1); c.84735C>A, p.Tyr28245Ter (NM_001256850.1); c.62463C>A, p.Tyr20821Ter (NM_003319.4); c.81954C>A, p.Tyr27318Ter (NM_133378.4); c.62838C>A, p.Tyr20946Ter (NM_133432.3); c.63039C>A, p.Tyr21013Ter (NM_133437.4); short protein forms Y20821*, Y28245*, Y29886*, Y21013*, Y27318*, Y20946*.
Identifiers: ClinVar variation 855726 (VCV000855726.11), dbSNP rs1700085960, ClinGen allele CA349517068.